The following is an entry in ClinVar:

NM_000135.4(FANCA):c.3513G>A (p.Leu1171=)

Gene: FANCA (FA complementation group A; minus strand). Cytogenetic location: 16q24.3.
Variant type: single nucleotide variant.
Coding change: c.3513G>A on transcript NM_000135.4 (MANE Select); coding-DNA position 3513, G replaced by A.
Protein change: p.Leu1171=; no amino-acid change (leucine 1171 retained).
Molecular consequence: synonymous variant.
Genome position (GRCh38, 1-based): chr16:89,746,584, C>T on the plus strand (G>A on the coding strand, the complement: FANCA is on the minus strand). VCF-style: chr16-89746584-C-T. GRCh37 (hg19) VCF-style: chr16-89812992-C-T.
Other names: c.3513G>A, p.Leu1171= (NM_001286167.3).
Identifiers: ClinVar variation 974056 (VCV000974056.1), dbSNP rs2038398296, ClinGen allele CA497195371.

ClinVar aggregate classification (germline): Pathogenic (0 of 4 stars; one submission).

Conditions:
Fanconi anemia complementation group A (FANCA). Also called: Fanconi anemia, group A; FANCA-Related Fanconi Anemia. Identifiers: Orphanet 84, MedGen C3469521, MONDO:0009215, OMIM 227650.

Submission:

Leiden Open Variation Database
Classification: Pathogenic for Fanconi anemia complementation group A. Last evaluated: 2020-02-28. Review status: no assertion criteria provided. Collection method: curation. Allele origin: germline. Affected: yes.
Comment: Curator: Arleen D. Auerbach. Submitter to LOVD: Arleen D. Auerbach.